The following is an entry in ClinVar:

NM_173500.4(TTBK2):c.2120C>T (p.Pro707Leu)

Gene: TTBK2 (tau tubulin kinase 2; minus strand). Cytogenetic location: 15q15.2.
Variant type: single nucleotide variant.
Coding change: c.2120C>T on transcript NM_173500.4 (MANE Select); coding-DNA position 2120, C replaced by T.
Protein change: p.Pro707Leu; replaces proline 707 with leucine.
Molecular consequence: missense variant.
Genome position (GRCh38, 1-based): chr15:42,753,126, G>A on the plus strand (C>T on the coding strand, the complement: TTBK2 is on the minus strand). VCF-style: chr15-42753126-G-A. GRCh37 (hg19) VCF-style: chr15-43045324-G-A.
Other names: short protein forms P707L.
Identifiers: ClinVar variation 1807147 (VCV001807147.2), dbSNP rs2506205070, ClinGen allele CA392075837.
Genomic context (GRCh38, chr15:42,753,126, plus strand): 5'-CTGCTTCCTCCACTAGGAGGTTCACCCTCTGTCACAACCAAGCCAGAGAAGTTTTCCCTT[G>A]GAGAGTAAAGTTCCACAGTGGGCTCCATGGGCTGAAGATCTTTCTTCTCTGGCTGCTGAC-3'
Protein context (NP_775771.3, residues 697-717): PMEPTVELYS[Pro707Leu]RENFSGLVVT

ClinVar aggregate classification (germline): Uncertain significance (1 of 4 stars; one submission).

Submission:

Athena Diagnostics
Classification: Uncertain significance. Last evaluated: 2025-10-08. Review status: criteria provided, single submitter. Criteria: Athena Diagnostics Criteria. Collection method: clinical testing. Allele origin: unknown.
Comment: Available data are insufficient to determine the clinical significance of the variant at this time. This variant has not been reported in large, multi-ethnic general populations. Polyphen and MutationTaster yielded discordant predictions regarding whether this amino acid change is damaging to the protein.